The following is an entry in ClinVar:

ClinVar aggregate classification (germline): Uncertain significance (1 of 4 stars; one submission).

Submission:

Labcorp Genetics (formerly Invitae), Labcorp
Classification: Uncertain significance. Last evaluated: 2022-07-15. Review status: criteria provided, single submitter. Criteria: Invitae Variant Classification Sherloc (09022015). Collection method: clinical testing. Allele origin: germline.
Comment: This sequence change replaces arginine, which is basic and polar, with leucine, which is neutral and non-polar, at codon 54 of the RDH5 protein (p.Arg54Leu). This variant is not present in population databases (gnomAD no frequency). This variant has not been reported in the literature in individuals affected with RDH5-related conditions. Algorithms developed to predict the effect of missense changes on protein structure and function (SIFT, PolyPhen-2, Align-GVGD) all suggest that this variant is likely to be tolerated. In summary, the available evidence is currently insufficient to determine the role of this variant in disease. Therefore, it has been classified as a Variant of Uncertain Significance.

NM_002905.5(RDH5):c.161G>T (p.Arg54Leu)

Genes: BLOC1S1-RDH5 (BLOC1S1-RDH5 readthrough; plus strand), RDH5 (retinol dehydrogenase 5; plus strand). Cytogenetic location: 12q13.2.
Variant type: single nucleotide variant.
Coding change: c.161G>T on transcript NM_002905.5 (MANE Select); coding-DNA position 161, G replaced by T.
Protein change: p.Arg54Leu; replaces arginine 54 with leucine.
Molecular consequence: missense variant.
Genome position (GRCh38, 1-based): chr12:55,721,345, G>T. VCF-style: chr12-55721345-G-T. GRCh37 (hg19) VCF-style: chr12-56115129-G-T.
Other names: c.161G>T, p.Arg54Leu (NM_001199771.3); short protein forms R54L.
Identifiers: ClinVar variation 1714182 (VCV001714182.5), dbSNP rs200548164, ClinGen allele CA385199768.